The following is an entry in ClinVar:

ClinVar aggregate classification (germline): Uncertain significance (1 of 4 stars; one submission).

Conditions:
Charcot-Marie-Tooth disease type 4. Also called: Charcot-Marie-Tooth disease, type IV; Charcot-Marie-Tooth, Type 4. Identifiers: Orphanet 64749, MedGen C4082197, MONDO:0018995.

Allele frequency attached by ClinVar (database versions not stated): ExAC 0.00001.
gnomAD v4.1: 1 of 1,614,208 alleles (0.000062%); highest among the groups gnomAD compares: Non-Finnish European, 0.000085%; no homozygotes.

Submission:

Labcorp Genetics (formerly Invitae), Labcorp
Classification: Uncertain significance for Charcot-Marie-Tooth disease type 4. Last evaluated: 2022-07-30. Review status: criteria provided, single submitter. Criteria: Invitae Variant Classification Sherloc (09022015). Collection method: clinical testing. Allele origin: germline.
Comment: In summary, the available evidence is currently insufficient to determine the role of this variant in disease. Therefore, it has been classified as a Variant of Uncertain Significance. Algorithms developed to predict the effect of missense changes on protein structure and function output the following: SIFT: "Tolerated"; PolyPhen-2: "Benign"; Align-GVGD: "Class C0". The proline amino acid residue is found in multiple mammalian species, which suggests that this missense change does not adversely affect protein function. This variant has not been reported in the literature in individuals affected with FGD4-related conditions. This variant is present in population databases (rs752744624, gnomAD 0.0009%). This sequence change replaces alanine, which is neutral and non-polar, with proline, which is neutral and non-polar, at codon 138 of the FGD4 protein (p.Ala138Pro).

NM_001370298.3(FGD4):c.823G>C (p.Ala275Pro)

Gene: FGD4 (FYVE, RhoGEF and PH domain containing 4; plus strand). Cytogenetic location: 12p11.21.
Variant type: single nucleotide variant.
Coding change: c.823G>C on transcript NM_001370298.3 (MANE Select); coding-DNA position 823, G replaced by C.
Protein change: p.Ala275Pro; replaces alanine 275 with proline.
Molecular consequence: missense variant. On other transcripts: 5 prime UTR variant (2), non-coding transcript variant (1), intron variant (1).
Genome position (GRCh38, 1-based): chr12:32,582,279, G>C. VCF-style: chr12-32582279-G-C. GRCh37 (hg19) VCF-style: chr12-32735213-G-C.
Other names: c.667G>C, p.Ala223Pro (NM_001304481.2); c.-433G>C (NM_001304483.2); c.-740G>C (NM_001304484.2); c.133G>C, p.Ala45Pro (NM_001330373.2, NM_001330374.2, NM_001384130.1); c.823G>C, p.Ala275Pro (NM_001384126.1); c.412G>C, p.Ala138Pro (NM_001384127.1, NM_001384128.1, NM_001384131.1 and 3 more transcripts); c.49-16218G>C (NM_001370297.1); short protein forms A138P, A223P, A45P, A275P.
Identifiers: ClinVar variation 2036755 (VCV002036755.4), dbSNP rs752744624, ClinGen allele CA6506630.
Genomic context (GRCh38, chr12:32,582,279, plus strand): 5'-GCTTCTGAACCCTTGCTTGATACGCACATAGTGAATGGAGAAAGAGATGAAACTGCCACA[G>C]CTCCTGCATCACCCACAACAGACAGCTGTGATGGAAATGCTTCTGACAGTAGCTACAGGA-3'
Protein context (NP_001357227.2, residues 265-285): VNGERDETAT[Ala275Pro]PASPTTDSCD